The following is an entry in ClinVar:

ClinVar aggregate classification (germline): Uncertain significance. Review status: criteria provided, multiple submitters, no conflicts (2 of 4 stars). 3 submissions from 3 submitters: Uncertain significance (3). Last evaluated 2024-10-15.

Conditions:
Hereditary cancer-predisposing syndrome. Also called: Neoplastic Syndromes, Hereditary; Tumor predisposition; Hereditary neoplastic syndrome; Hereditary Cancer Syndrome. Identifiers: Orphanet 140162, MedGen C0027672, MeSH D009386, MONDO:0015356.
Intellectual disability, autosomal dominant 16 (CSS4). Also called: COFFIN-SIRIS SYNDROME 4. Identifiers: Orphanet 1465, MedGen C3553249, MONDO:0013821, OMIM 614609.
Rhabdoid tumor predisposition syndrome 2 (RTPS2). Identifiers: Orphanet 231108, Orphanet 69077, MedGen C2750074, MONDO:0013224, OMIM 613325.

Allele frequency attached by ClinVar (database versions not stated): TOPMed below 0.00001.

Submissions (3):

Labcorp Genetics (formerly Invitae), Labcorp
Classification: Uncertain significance for Rhabdoid tumor predisposition syndrome 2. Last evaluated: 2024-10-15. Review status: criteria provided, single submitter. Criteria: Invitae Variant Classification Sherloc (09022015). Collection method: clinical testing. Allele origin: germline.
Comment: This sequence change replaces threonine, which is neutral and polar, with alanine, which is neutral and non-polar, at codon 1455 of the SMARCA4 protein (p.Thr1455Ala). This variant is not present in population databases (gnomAD no frequency). This variant has not been reported in the literature in individuals affected with SMARCA4-related conditions. ClinVar contains an entry for this variant (Variation ID: 824829). An algorithm developed to predict the effect of missense changes on protein structure and function (PolyPhen-2) suggests that this variant is likely to be tolerated. In summary, the available evidence is currently insufficient to determine the role of this variant in disease. Therefore, it has been classified as a Variant of Uncertain Significance.

Ambry Genetics
Classification: Uncertain significance for Hereditary cancer-predisposing syndrome. Last evaluated: 2024-02-22. Review status: criteria provided, single submitter. Criteria: Ambry Variant Classification Scheme 2023. Collection method: clinical testing. Allele origin: germline.
Comment: The p.T1455A variant (also known as c.4363A>G), located in coding exon 30 of the SMARCA4 gene, results from an A to G substitution at nucleotide position 4363. The threonine at codon 1455 is replaced by alanine, an amino acid with similar properties. This amino acid position is well conserved in available vertebrate species. In addition, this alteration is predicted to be tolerated by in silico analysis. Since supporting evidence is limited at this time, the clinical significance of this alteration remains unclear.

Genome-Nilou Lab
Classification: Uncertain significance for Intellectual disability, autosomal dominant 16. Last evaluated: 2021-07-15. Review status: criteria provided, single submitter. Criteria: ACMG Guidelines, 2015. Collection method: clinical testing. Allele origin: germline. Affected: no.

NM_003072.5(SMARCA4):c.4267A>G (p.Thr1423Ala)

Gene: SMARCA4 (SWI/SNF related BAF chromatin remodeling complex subunit ATPase 4; plus strand). Cytogenetic location: 19p13.2.
Variant type: single nucleotide variant.
Coding change: c.4267A>G on transcript NM_003072.5 (MANE Select); coding-DNA position 4267, A replaced by G.
Protein change: p.Thr1423Ala; replaces threonine 1423 with alanine.
Molecular consequence: missense variant. On other transcripts: non-coding transcript variant (1).
Genome position (GRCh38, 1-based): chr19:11,041,403, A>G. VCF-style: chr19-11041403-A-G. GRCh37 (hg19) VCF-style: chr19-11152079-A-G.
Other names: c.4267A>G, p.Thr1423Ala (NM_001128844.3); c.4177A>G, p.Thr1393Ala (NM_001128845.2, NM_001128846.2); c.4168A>G, p.Thr1390Ala (NM_001128847.4, NM_001128848.2, NM_001374457.1); c.4363A>G, p.Thr1455Ala (NM_001128849.3); short protein forms T1390A, T1393A, T1423A, T1455A.
Identifiers: ClinVar variation 824829 (VCV000824829.16), dbSNP rs1258849439, ClinGen allele CA404073400.